The following is an entry in ClinVar:

ClinVar aggregate classification (germline): Conflicting classifications of pathogenicity. Review status: no assertion criteria provided (0 of 4 stars). 2 submissions from 2 submitters: Likely pathogenic (1); Likely benign (1). Last evaluated 2021-10-01.

Conditions:
FGF8-related disorder. Also called: FGF8-related condition.
Hypogonadotropic hypogonadism 6 with or without anosmia (HH6). Also called: FGF8-Related GnRH Deficiency (Kallmann Syndrome 6); HYPOGONADOTROPIC HYPOGONADISM 6 WITHOUT ANOSMIA; HYPOGONADOTROPIC HYPOGONADISM 6 WITH ANOSMIA. Identifiers: Orphanet 478, MedGen C3552574, MONDO:0012988, OMIM 612702.

Allele frequency attached by ClinVar (database versions not stated): ExAC 0.00012; gnomAD exomes 0.00005 and 0.00010; gnomAD below 0.00001 and 0.00003; TOPMed below 0.00001.
gnomAD v4.1: 74 of 1,613,704 alleles (0.0046%); highest among the groups gnomAD compares: South Asian, 0.078%; no homozygotes.

Submissions (2):

PreventionGenetics, part of Exact Sciences
Classification: Likely benign for FGF8-related condition. Last evaluated: 2021-10-01. Review status: no assertion criteria provided. Collection method: clinical testing. Allele origin: germline.
Comment: This variant is classified as likely benign based on ACMG/AMP sequence variant interpretation guidelines (Richards et al. 2015 PMID: 25741868, with internal and published modifications).

Endocrinology Clinic, Seth G.S. Medical College
Classification: Likely pathogenic for Isolated hypogonadotropic hypogonadism. Last evaluated: 2013-05-01. Review status: no assertion criteria provided. Collection method: research. Allele origin: germline. Inheritance: Autosomal dominant inheritance. Affected: yes. Observed: 1 variant allele, 1 heterozygote.

Literature cited by the submitters: PubMed 23533228 (cited by Endocrinology Clinic, Seth G.S. Medical College).

NM_033163.5(FGF8):c.237C>G (p.Leu79=)

Gene: FGF8 (fibroblast growth factor 8; minus strand). Cytogenetic location: 10q24.32.
Variant type: single nucleotide variant.
Coding change: c.237C>G on transcript NM_033163.5 (MANE Select); coding-DNA position 237, C replaced by G.
Protein change: p.Leu79=; no amino-acid change (leucine 79 retained).
Molecular consequence: synonymous variant. On other transcripts: 5 prime UTR variant (1).
Genome position (GRCh38, 1-based): chr10:101,774,832, G>C on the plus strand (C>G on the coding strand, the complement: FGF8 is on the minus strand). VCF-style: chr10-101774832-G-C. GRCh37 (hg19) VCF-style: chr10-103534589-G-C.
Other names: c.237C>G (NM_033163.3); c.-76C>G (NM_001206389.2); c.150C>G, p.Leu50= (NM_006119.6); c.204C>G, p.Leu68= (NM_033164.4); c.117C>G, p.Leu39= (NM_033165.5).
Identifiers: ClinVar variation 140613 (VCV000140613.4), dbSNP rs606231408, ClinGen allele CA270000.